The following is an entry in ClinVar:

NM_000038.6(APC):c.5978C>G (p.Pro1993Arg)

Gene: APC (APC regulator of Wnt signaling pathway; plus strand). Cytogenetic location: 5q22.2.
Variant type: single nucleotide variant.
Coding change: c.5978C>G on transcript NM_000038.6 (MANE Select); coding-DNA position 5978, C replaced by G.
Protein change: p.Pro1993Arg; replaces proline 1993 with arginine.
Molecular consequence: missense variant.
Genome position (GRCh38, 1-based): chr5:112,841,572, C>G. VCF-style: chr5-112841572-C-G. GRCh37 (hg19) VCF-style: chr5-112177269-C-G.
Other names: c.5978C>G, p.Pro1993Arg (NM_001127510.3, NM_001354895.2); c.5924C>G, p.Pro1975Arg (NM_001127511.3); c.6032C>G, p.Pro2011Arg (NM_001354896.2); c.6008C>G, p.Pro2003Arg (NM_001354897.2); c.5903C>G, p.Pro1968Arg (NM_001354898.2); c.5894C>G, p.Pro1965Arg (NM_001354899.2); c.5855C>G, p.Pro1952Arg (NM_001354900.2); c.5801C>G, p.Pro1934Arg (NM_001354901.2); and 5 more; short protein forms P1993R, P1975R, P1892R, P2003R, P2011R, P1833R, P1952R, P1965R.
Identifiers: ClinVar variation 628291 (VCV000628291.13), dbSNP rs1561604276, ClinGen allele CA16034419.
Genomic context (GRCh38, chr5:112,841,572, plus strand): 5'-GTGACATTGACCAAGAAAACAACAATAAAGAAAATGAACCTATCAAAGAGACTGAGCCCC[C>G]TGACTCACAGGGAGAACCAAGTAAACCTCAAGCATCAGGCTATGCTCCTAAATCATTTCA-3'
Protein context (NP_000029.2, residues 1983-2003): ENEPIKETEP[Pro1993Arg]DSQGEPSKPQ

ClinVar aggregate classification (germline): Uncertain significance. Review status: criteria provided, multiple submitters, no conflicts (2 of 4 stars). 4 submissions from 4 submitters: Uncertain significance (4). Last evaluated 2025-06-30.

Conditions:
Hereditary cancer-predisposing syndrome. Also called: Neoplastic Syndromes, Hereditary; Tumor predisposition; Hereditary neoplastic syndrome; Hereditary Cancer Syndrome. Identifiers: Orphanet 140162, MedGen C0027672, MeSH D009386, MONDO:0015356.
Familial adenomatous polyposis 1 (FAP1). Also called: POLYPOSIS, ADENOMATOUS INTESTINAL; FAMILIAL ADENOMATOUS POLYPOSIS 1, ATTENUATED. Identifiers: MedGen C2713442, MONDO:0021056, OMIM 175100. Disease mechanism: loss of function.

Allele frequency attached by ClinVar (database versions not stated): gnomAD exomes below 0.00001.
gnomAD v4.1: 2 of 1,613,974 alleles (0.00012%); highest among the groups gnomAD compares: African/African-American, 0.0013%; no homozygotes.

Submissions (4):

Labcorp Genetics (formerly Invitae), Labcorp
Classification: Uncertain significance for Familial adenomatous polyposis 1. Last evaluated: 2025-06-30. Review status: criteria provided, single submitter. Criteria: Invitae Variant Classification Sherloc (09022015). Collection method: clinical testing. Allele origin: germline.
Comment: This sequence change replaces proline, which is neutral and non-polar, with arginine, which is basic and polar, at codon 1993 of the APC protein (p.Pro1993Arg). This variant is not present in population databases (gnomAD no frequency). This variant has not been reported in the literature in individuals affected with APC-related conditions. ClinVar contains an entry for this variant (Variation ID: 628291). Invitae Evidence Modeling of protein sequence and biophysical properties (such as structural, functional, and spatial information, amino acid conservation, physicochemical variation, residue mobility, and thermodynamic stability) indicates that this missense variant is not expected to disrupt APC protein function with a negative predictive value of 95%. RNA analysis performed to evaluate the impact of this missense change on mRNA splicing indicates it does not significantly alter splicing (internal data). In summary, the available evidence is currently insufficient to determine the role of this variant in disease. Therefore, it has been classified as a Variant of Uncertain Significance.

Ambry Genetics
Classification: Uncertain significance for Hereditary cancer-predisposing syndrome. Last evaluated: 2024-03-25. Review status: criteria provided, single submitter. Criteria: Ambry Variant Classification Scheme 2023. Collection method: clinical testing. Allele origin: germline.
Comment: The p.P1993R variant (also known as c.5978C>G), located in coding exon 15 of the APC gene, results from a C to G substitution at nucleotide position 5978. The proline at codon 1993 is replaced by arginine, an amino acid with dissimilar properties. This amino acid position is not well conserved in available vertebrate species. In addition, in silico predictors for this gene do not accurately predict pathogenicity. Since supporting evidence is limited at this time, the clinical significance of this alteration remains unclear.

GeneDx
Classification: Uncertain significance. Last evaluated: 2022-12-22. Review status: criteria provided, single submitter. Criteria: GeneDx Variant Classification Process June 2021. Collection method: clinical testing. Allele origin: germline. Affected: yes.
Comment: Not observed at significant frequency in large population cohorts (gnomAD); In silico analysis supports that this missense variant does not alter protein structure/function; Has not been previously published as pathogenic or benign to our knowledge; This variant is associated with the following publications: (PMID: 18199528)

Color Diagnostics, LLC DBA Color Health
Classification: Uncertain significance for Hereditary cancer-predisposing syndrome. Last evaluated: 2019-05-31. Review status: criteria provided, single submitter. Criteria: ACMG Guidelines, 2015. Collection method: clinical testing. Allele origin: germline.